The following is an entry in ClinVar:

NM_000388.4(CASR):c.560T>C (p.Ile187Thr)

Gene: CASR (calcium sensing receptor; plus strand). Cytogenetic location: 3q21.1.
Variant type: single nucleotide variant.
Coding change: c.560T>C on transcript NM_000388.4 (MANE Select); coding-DNA position 560, T replaced by C.
Protein change: p.Ile187Thr; replaces isoleucine 187 with threonine.
Molecular consequence: missense variant.
Genome position (GRCh38, 1-based): chr3:122,261,595, T>C. VCF-style: chr3-122261595-T-C. GRCh37 (hg19) VCF-style: chr3-121980442-T-C.
Other names: c.560T>C, p.Ile187Thr (NM_001178065.2); short protein forms I187T.
Identifiers: ClinVar variation 1748630 (VCV001748630.7), dbSNP rs754602260, ClinGen allele CA2569507.

ClinVar aggregate classification (germline): Uncertain significance. Review status: criteria provided, multiple submitters, no conflicts (2 of 4 stars). 2 submissions from 2 submitters: Uncertain significance (2). Last evaluated 2024-12-04.

Conditions:
Familial hypocalciuric hypercalcemia (FHH). Also called: Familial benign hypercalcemia. Identifiers: Orphanet 405, MedGen C1809471, MONDO:0018458.
Autosomal dominant hypocalcemia 1 (HYPOC1). Also called: HYPOCALCEMIA, FAMILIAL. Identifiers: MedGen C3715128, MONDO:0011013, OMIM 601198.
Nephrolithiasis/nephrocalcinosis. Identifiers: MedGen CN580796.

Allele frequency attached by ClinVar (database versions not stated): gnomAD exomes below 0.00001; ExAC 0.00001; gnomAD 0.00001.
gnomAD v4.1: 4 of 1,614,000 alleles (0.00025%); highest among the groups gnomAD compares: Non-Finnish European, 0.00034%; no homozygotes.

Submissions (2):

Labcorp Genetics (formerly Invitae), Labcorp
Classification: Uncertain significance for Familial hypocalciuric hypercalcemia; Autosomal dominant hypocalcemia 1. Last evaluated: 2024-12-04. Review status: criteria provided, single submitter. Criteria: Invitae Variant Classification Sherloc (09022015). Collection method: clinical testing. Allele origin: germline.
Comment: This sequence change replaces isoleucine, which is neutral and non-polar, with threonine, which is neutral and polar, at codon 187 of the CASR protein (p.Ile187Thr). The frequency data for this variant in the population databases is considered unreliable, as metrics indicate poor data quality at this position in the gnomAD database. This variant has not been reported in the literature in individuals affected with CASR-related conditions. ClinVar contains an entry for this variant (Variation ID: 1748630). An algorithm developed to predict the effect of missense changes on protein structure and function (PolyPhen-2) suggests that this variant is likely to be disruptive. In summary, the available evidence is currently insufficient to determine the role of this variant in disease. Therefore, it has been classified as a Variant of Uncertain Significance.

Ambry Genetics
Classification: Uncertain significance for Nephrolithiasis/nephrocalcinosis. Last evaluated: 2020-04-14. Review status: criteria provided, single submitter. Criteria: Ambry Variant Classification Scheme 2023. Collection method: clinical testing. Allele origin: germline.
Comment: The p.I187T variant (also known as c.560T>C), located in coding exon 3 of the CASR gene, results from a T to C substitution at nucleotide position 560. The isoleucine at codon 187 is replaced by threonine, an amino acid with similar properties. This amino acid position is highly conserved in available vertebrate species. In addition, this alteration is predicted to be deleterious by in silico analysis. Since supporting evidence is limited at this time, the clinical significance of this alteration remains unclear.